The following is an entry in ClinVar:

ClinVar aggregate classification (germline): Uncertain significance (1 of 4 stars; one submission).

Submission:

CeGaT Center for Human Genetics Tuebingen
Classification: Uncertain significance. Last evaluated: 2025-10-01. Review status: criteria provided, single submitter. Criteria: CeGaT Center For Human Genetics Tuebingen Variant Classification Criteria Version 2. Collection method: clinical testing. Allele origin: germline. Affected: yes. Observed: 1 variant allele.
Comment: CACNA1S: PM2, PP3

NM_000069.3(CACNA1S):c.2141T>C (p.Ile714Thr)

Gene: CACNA1S (calcium voltage-gated channel subunit alpha1 S; minus strand). Cytogenetic location: 1q32.1.
Variant type: single nucleotide variant.
Coding change: c.2141T>C on transcript NM_000069.3 (MANE Select); coding-DNA position 2141, T replaced by C.
Protein change: p.Ile714Thr; replaces isoleucine 714 with threonine.
Molecular consequence: missense variant.
Genome position (GRCh38, 1-based): chr1:201,073,565, A>G on the plus strand (T>C on the coding strand, the complement: CACNA1S is on the minus strand). VCF-style: chr1-201073565-A-G. GRCh37 (hg19) VCF-style: chr1-201042693-A-G.
Other names: short protein forms I714T.
Identifiers: ClinVar variation 4534815 (VCV004534815.6).